The following is an entry in ClinVar:

NM_053025.4(MYLK):c.2637G>A (p.Thr879=)

Gene: MYLK (myosin light chain kinase; minus strand). Cytogenetic location: 3q21.1.
Variant type: single nucleotide variant.
Coding change: c.2637G>A on transcript NM_053025.4 (MANE Select); coding-DNA position 2637, G replaced by A.
Protein change: p.Thr879=; no amino-acid change (threonine 879 retained).
Molecular consequence: synonymous variant.
Genome position (GRCh38, 1-based): chr3:123,700,831, C>T on the plus strand (G>A on the coding strand, the complement: MYLK is on the minus strand). VCF-style: chr3-123700831-C-T. GRCh37 (hg19) VCF-style: chr3-123419678-C-T.
Other names: p.Thr879=; c.2109G>A, p.Thr703= (NM_001321309.2); c.2430G>A, p.Thr810= (NM_053026.4, NM_053028.4); c.2637G>A, p.Thr879= (NM_053027.4).
Identifiers: ClinVar variation 1794132 (VCV001794132.8), dbSNP rs753145843, ClinGen allele CA068821.

ClinVar aggregate classification (germline): Likely benign. Review status: criteria provided, multiple submitters, no conflicts (2 of 4 stars). 3 submissions from 3 submitters: Likely benign (3). Last evaluated 2025-01-28.

Conditions:
Familial thoracic aortic aneurysm and aortic dissection (TAAD). Also called: Thoracic aortic aneurysms and dissections. Identifiers: Orphanet 91387, MedGen C4707243, MONDO:0019625.
Aortic aneurysm, familial thoracic 7 (AAT7). Also called: AORTIC DISSECTION, FAMILIAL, WITH OR WITHOUT AORTIC ANEURYSM. Identifiers: MedGen C3151077, MONDO:0013418, OMIM 613780.

Allele frequency attached by ClinVar (database versions not stated): ExAC 0.00001; gnomAD exomes 0.00001; TOPMed 0.00002; gnomAD 0.00003.
gnomAD v4.1: 14 of 1,613,976 alleles (0.00087%); highest among the groups gnomAD compares: African/African-American, 0.0053%; no homozygotes.

Submissions (3):

Mayo Clinic Laboratories, Mayo Clinic
Classification: Likely benign. Last evaluated: 2025-01-28. Review status: criteria provided, single submitter. Criteria: ACMG Guidelines, 2015. Collection method: clinical testing. Allele origin: germline. Observed: 1 variant allele.
Comment: BP4, BP7

Labcorp Genetics (formerly Invitae), Labcorp
Classification: Likely benign for Aortic aneurysm, familial thoracic 7. Last evaluated: 2023-09-17. Review status: criteria provided, single submitter. Criteria: Invitae Variant Classification Sherloc (09022015). Collection method: clinical testing. Allele origin: germline.

Ambry Genetics
Classification: Likely benign for Familial thoracic aortic aneurysm and aortic dissection. Last evaluated: 2019-05-01. Review status: criteria provided, single submitter. Criteria: Ambry Variant Classification Scheme 2023. Collection method: clinical testing. Allele origin: germline.